The following is an entry in ClinVar:

ClinVar aggregate classification (germline): Pathogenic (1 of 4 stars; one submission).

Conditions:
Early-infantile DEE. Also called: Early infantile epileptic encephalopathy; Ohtahara syndrome; Early infantile epileptic encephalopathy with suppression bursts. Identifiers: Orphanet 1934, MedGen C0393706, MONDO:0800491.

Submission:

Labcorp Genetics (formerly Invitae), Labcorp
Classification: Pathogenic for Early-infantile DEE. Last evaluated: 2021-07-09. Review status: criteria provided, single submitter. Criteria: Invitae Variant Classification Sherloc (09022015). Collection method: clinical testing. Allele origin: germline.
Comment: This sequence change replaces leucine with proline at codon 247 of the SCN1A protein (p.Leu247Pro). The leucine residue is highly conserved and there is a moderate physicochemical difference between leucine and proline. Advanced modeling of protein sequence and biophysical properties (such as structural, functional, and spatial information, amino acid conservation, physicochemical variation, residue mobility, and thermodynamic stability) performed at Invitae indicates that this missense variant is expected to disrupt SCN1A protein function. This variant has been observed in individual(s) with clinical features of SCN1A-related conditions (Invitae). In at least one individual the variant was observed to be de novo. This variant is not present in population databases (ExAC no frequency). For these reasons, this variant has been classified as Pathogenic.

NM_001165963.4(SCN1A):c.740T>C (p.Leu247Pro)

Gene: SCN1A (sodium voltage-gated channel alpha subunit 1; minus strand). Cytogenetic location: 2q24.3.
Variant type: single nucleotide variant.
Coding change: c.740T>C on transcript NM_001165963.4 (MANE Select); coding-DNA position 740, T replaced by C.
Protein change: p.Leu247Pro; replaces leucine 247 with proline.
Molecular consequence: missense variant. On other transcripts: 5 prime UTR variant (1), non-coding transcript variant (1).
Genome position (GRCh38, 1-based): chr2:166,051,943, A>G on the plus strand (T>C on the coding strand, the complement: SCN1A is on the minus strand). VCF-style: chr2-166051943-A-G. GRCh37 (hg19) VCF-style: chr2-166908453-A-G.
Other names: c.740T>C, p.Leu247Pro (NM_001165964.3, NM_001202435.3, NM_001353948.2 and 10 more transcripts); c.-1686T>C (NM_001353961.2); short protein forms L247P.
Identifiers: ClinVar variation 1440271 (VCV001440271.9), dbSNP rs2105890490, ClinGen allele CA349073664.